The following is an entry in ClinVar:

NM_002855.5(NECTIN1):c.1430G>A (p.Arg477His)

Gene: NECTIN1 (nectin cell adhesion molecule 1; minus strand). Cytogenetic location: 11q23.3.
Variant type: single nucleotide variant.
Coding change: c.1430G>A on transcript NM_002855.5 (MANE Select); coding-DNA position 1430, G replaced by A.
Protein change: p.Arg477His; replaces arginine 477 with histidine.
Molecular consequence: missense variant. On other transcripts: intron variant (1).
Genome position (GRCh38, 1-based): chr11:119,664,871, C>T on the plus strand (G>A on the coding strand, the complement: NECTIN1 is on the minus strand). VCF-style: chr11-119664871-C-T. GRCh37 (hg19) VCF-style: chr11-119535581-C-T.
Other names: c.1003+10288G>A (NM_203285.2); short protein forms R477H.
Identifiers: ClinVar variation 2048213 (VCV002048213.4), dbSNP rs768218183, ClinGen allele CA6321787.

ClinVar aggregate classification (germline): Uncertain significance (1 of 4 stars; one submission).

Allele frequency attached by ClinVar (database versions not stated): gnomAD 0.00003; TOPMed 0.00002; ExAC 0.00003; 1000 Genomes Project 30x 0.00016; gnomAD exomes 0.00003.
gnomAD v4.1: 54 of 1,613,962 alleles (0.0033%); highest among the groups gnomAD compares: Admixed American, 0.017%; no homozygotes.

Submission:

Labcorp Genetics (formerly Invitae), Labcorp
Classification: Uncertain significance. Last evaluated: 2022-06-01. Review status: criteria provided, single submitter. Criteria: Invitae Variant Classification Sherloc (09022015). Collection method: clinical testing. Allele origin: germline.
Comment: Algorithms developed to predict the effect of missense changes on protein structure and function are either unavailable or do not agree on the potential impact of this missense change (SIFT: "Deleterious"; PolyPhen-2: "Benign"; Align-GVGD: "Class C0"). In summary, the available evidence is currently insufficient to determine the role of this variant in disease. Therefore, it has been classified as a Variant of Uncertain Significance. This variant has not been reported in the literature in individuals affected with NECTIN1-related conditions. This variant is present in population databases (rs768218183, gnomAD 0.02%). This sequence change replaces arginine, which is basic and polar, with histidine, which is basic and polar, at codon 477 of the NECTIN1 protein (p.Arg477His).